The following is an entry in ClinVar:

NM_025193.4(HSD3B7):c.397G>A (p.Val133Met)

Gene: HSD3B7 (hydroxy-delta-5-steroid dehydrogenase, 3 beta- and steroid delta-isomerase 7; plus strand). Cytogenetic location: 16p11.2.
Variant type: single nucleotide variant.
Coding change: c.397G>A on transcript NM_025193.4 (MANE Select); coding-DNA position 397, G replaced by A.
Protein change: p.Val133Met; replaces valine 133 with methionine.
Molecular consequence: missense variant.
Genome position (GRCh38, 1-based): chr16:30,986,497, G>A. VCF-style: chr16-30986497-G-A. GRCh37 (hg19) VCF-style: chr16-30997818-G-A.
Other names: c.397G>A, p.Val133Met (NM_001142777.2, NM_001142778.2); short protein forms V133M.
Identifiers: ClinVar variation 1949683 (VCV001949683.5), dbSNP rs751006662, ClinGen allele CA395640290.

ClinVar aggregate classification (germline): Uncertain significance (1 of 4 stars; one submission).

Submission:

Labcorp Genetics (formerly Invitae), Labcorp
Classification: Uncertain significance. Last evaluated: 2022-06-14. Review status: criteria provided, single submitter. Criteria: Invitae Variant Classification Sherloc (09022015). Collection method: clinical testing. Allele origin: germline.
Comment: This sequence change replaces valine, which is neutral and non-polar, with methionine, which is neutral and non-polar, at codon 133 of the HSD3B7 protein (p.Val133Met). This variant is not present in population databases (gnomAD no frequency). This variant has not been reported in the literature in individuals affected with HSD3B7-related conditions. Algorithms developed to predict the effect of missense changes on protein structure and function are either unavailable or do not agree on the potential impact of this missense change (SIFT: "Tolerated"; PolyPhen-2: "Probably Damaging"; Align-GVGD: "Class C0"). In summary, the available evidence is currently insufficient to determine the role of this variant in disease. Therefore, it has been classified as a Variant of Uncertain Significance.